The following is an entry in ClinVar:

ClinVar aggregate classification (germline): Uncertain significance (0 of 4 stars; one submission).

Conditions:
SLC17A8-related disorder. Also called: SLC17A8-related condition.

gnomAD v4.1: 13 of 1,614,052 alleles (0.00081%); highest among the groups gnomAD compares: Non-Finnish European, 0.001%; no homozygotes.

Submission:

PreventionGenetics, part of Exact Sciences
Classification: Uncertain significance for SLC17A8-related condition. Last evaluated: 2024-09-16. Review status: no assertion criteria provided. Collection method: clinical testing. Allele origin: germline.
Comment: The SLC17A8 c.1345C>G variant is predicted to result in the amino acid substitution p.Leu449Val. To our knowledge, this variant has not been reported in the literature. This variant is reported in 0.00088% of alleles in individuals of European (Non-Finnish) descent in gnomAD. At this time, the clinical significance of this variant is uncertain due to the absence of conclusive functional and genetic evidence.

NM_139319.3(SLC17A8):c.1345C>G (p.Leu449Val)

Gene: SLC17A8 (solute carrier family 17 member 8; plus strand). Cytogenetic location: 12q23.1.
Variant type: single nucleotide variant.
Coding change: c.1345C>G on transcript NM_139319.3 (MANE Select); coding-DNA position 1345, C replaced by G.
Protein change: p.Leu449Val; replaces leucine 449 with valine.
Molecular consequence: missense variant.
Genome position (GRCh38, 1-based): chr12:100,418,076, C>G. VCF-style: chr12-100418076-C-G. GRCh37 (hg19) VCF-style: chr12-100811854-C-G.
Other names: c.1195C>G, p.Leu399Val (NM_001145288.2); short protein forms L399V, L449V.
Identifiers: ClinVar variation 3355401 (VCV003355401.1).